The following is an entry in ClinVar:

ClinVar aggregate classification (germline): Uncertain significance (1 of 4 stars; one submission).

Conditions:
POLR3B-related disorder. Also called: POLR3B-related condition; POLR3B-related disorders. Identifiers: MedGen CN378588, MONDO:0700277.

Submission:

PreventionGenetics, part of Exact Sciences
Classification: Uncertain significance for POLR3B-related condition. Last evaluated: 2026-09-09. Review status: criteria provided, single submitter. Criteria: ACMG Guidelines, 2015. Collection method: clinical testing. Allele origin: germline.
Comment: The POLR3B c.2077G>T variant is predicted to result in the amino acid substitution p.Ala693Ser. To our knowledge, this variant has not been reported in the literature or in a large population database (gnomAD), indicating this variant is rare. At this time, the clinical significance of this variant is uncertain due to the absence of conclusive functional and genetic evidence.

NM_018082.6(POLR3B):c.2077G>T (p.Ala693Ser)

Gene: POLR3B (RNA polymerase III subunit B; plus strand). Cytogenetic location: 12q23.3.
Variant type: single nucleotide variant.
Coding change: c.2077G>T on transcript NM_018082.6 (MANE Select); coding-DNA position 2077, G replaced by T.
Protein change: p.Ala693Ser; replaces alanine 693 with serine.
Molecular consequence: missense variant.
Genome position (GRCh38, 1-based): chr12:106,444,584, G>T. VCF-style: chr12-106444584-G-T. GRCh37 (hg19) VCF-style: chr12-106838362-G-T.
Other names: c.1903G>T, p.Ala635Ser (NM_001160708.2); short protein forms A693S, A635S.
Identifiers: ClinVar variation 4994752 (VCV004994752.1).
Genomic context (GRCh38, chr12:106,444,584, plus strand): 5'-CCATACCCTCACCATAACCAGTCACCGAGAAACACTTATCAGTGTGCCATGGGGAAACAA[G>T]CCATGGGTAAGATTTCCTTCTTGAAAGTTGGTTCTAAATACTTGGAAATACTTTTGGAAA-3'
Protein context (NP_060552.4, residues 683-703): NTYQCAMGKQ[Ala693Ser]MGTIGYNQRN